The following is an entry in ClinVar:

NM_133379.5(TTN):c.13712C>T (p.Pro4571Leu)

Gene: TTN (titin; minus strand). Cytogenetic location: 2q31.2.
Variant type: single nucleotide variant.
Coding change: c.13712C>T on transcript NM_133379.5; coding-DNA position 13712, C replaced by T.
Protein change: p.Pro4571Leu; replaces proline 4571 with leucine.
Molecular consequence: missense variant. On other transcripts: intron variant (6).
Genome position (GRCh38, 1-based): chr2:178,748,688, G>A on the plus strand (C>T on the coding strand, the complement: TTN is on the minus strand). VCF-style: chr2-178748688-G-A. GRCh37 (hg19) VCF-style: chr2-179613415-G-A.
Other names: c.10222+4436C>T (NM_003319.4); c.10798+4436C>T (NM_133437.4); c.10597+4436C>T (NM_133432.3); c.10360+4436C>T (NM_133378.4, NM_001256850.1); c.11311+4436C>T (NM_001267550.2); short protein forms P4571L.
Identifiers: ClinVar variation 1193101 (VCV001193101.31), dbSNP rs369566893, ClinGen allele CA2003361.

ClinVar aggregate classification (germline): Conflicting classifications of pathogenicity. Review status: criteria provided, conflicting classifications (1 of 4 stars). 2 submissions from 2 submitters: Uncertain significance (1); Likely benign (1). Last evaluated 2026-03-01.

Allele frequency attached by ClinVar (database versions not stated): gnomAD 0.00003; TOPMed 0.00003; ExAC 0.00004; gnomAD exomes 0.00004 and 0.00011; ESP Exome Variant Server 0.00008.
gnomAD v4.1: 171 of 1,612,564 alleles (0.011%); highest among the groups gnomAD compares: Non-Finnish European, 0.013%; no homozygotes.

Submissions (2):

CeGaT Center for Human Genetics Tuebingen
Classification: Uncertain significance. Last evaluated: 2026-03-01. Review status: criteria provided, single submitter. Criteria: CeGaT Center For Human Genetics Tuebingen Variant Classification Criteria Version 2. Collection method: clinical testing. Allele origin: germline. Affected: yes. Observed: 3 variant alleles.
Comment: TTN: PM2:Supporting, BP4

GeneDx
Classification: Likely benign. Last evaluated: 2019-05-07. Review status: criteria provided, single submitter. Criteria: GeneDx Variant Classification Process June 2021. Collection method: clinical testing. Allele origin: germline. Affected: yes.